The following is an entry in ClinVar:

ClinVar aggregate classification (germline): Conflicting classifications of pathogenicity. Review status: criteria provided, conflicting classifications (1 of 4 stars). 2 submissions from 2 submitters: Uncertain significance (1); Likely benign (1). Last evaluated 2023-10-03.

Conditions:
Spastic paraplegia. Identifiers: MedGen C0037772, HP:0001258.

Allele frequency attached by ClinVar (database versions not stated): gnomAD exomes below 0.00001; TOPMed 0.00001; ExAC 0.00002.

Submissions (2):

Labcorp Genetics (formerly Invitae), Labcorp
Classification: Likely benign for Spastic paraplegia. Last evaluated: 2023-10-03. Review status: criteria provided, single submitter. Criteria: Invitae Variant Classification Sherloc (09022015). Collection method: clinical testing. Allele origin: germline.

Women's Health and Genetics/Laboratory Corporation of America, LabCorp
Classification: Uncertain significance. Last evaluated: 2023-09-28. Review status: criteria provided, single submitter. Criteria: LabCorp Variant Classification Summary - May 2015. Collection method: clinical testing. Allele origin: germline.
Comment: Variant summary: L1CAM c.1864G>A (p.Asp622Asn) results in a conservative amino acid change located in a Fibronectin type III domain (IPR003961) of the encoded protein sequence. Five of five in-silico tools predict a benign effect of the variant on protein function. The variant allele was found at a frequency of 1.1e-05 in 180575 control chromosomes. The available data on variant occurrences in the general population are insufficient to allow any conclusion about variant significance. To our knowledge, no occurrence of c.1864G>A in individuals affected with L1 Syndrome and no experimental evidence demonstrating its impact on protein function have been reported. One submitter has cited clinical-significance assessments for this variant to ClinVar after 2014 and has classified the variant as likely benign. Based on the evidence outlined above, the variant was classified as uncertain significance.

NM_001278116.2(L1CAM):c.1864G>A (p.Asp622Asn)

Gene: L1CAM (L1 cell adhesion molecule; minus strand). Cytogenetic location: Xq28.
Variant type: single nucleotide variant.
Coding change: c.1864G>A on transcript NM_001278116.2 (MANE Select); coding-DNA position 1864, G replaced by A.
Protein change: p.Asp622Asn; replaces aspartic acid 622 with asparagine.
Molecular consequence: missense variant.
Genome position (GRCh38, 1-based): chrX:153,867,875, C>T on the plus strand (G>A on the coding strand, the complement: L1CAM is on the minus strand). VCF-style: chrX-153867875-C-T. GRCh37 (hg19) VCF-style: chrX-153133330-C-T.
Other names: c.1864G>A, p.Asp622Asn (NM_000425.5, NM_024003.3); c.1849G>A, p.Asp617Asn (NM_001143963.2); short protein forms D617N, D622N.
Identifiers: ClinVar variation 2032809 (VCV002032809.5), dbSNP rs202145628, ClinGen allele CA10554275.
Genomic context (GRCh38, chrX:153,867,875, plus strand): 5'-TGTGGTCTTCTGCAGGACTCCAGGACACGCGCACCTGGCTCTGCGTCAGCAGGTGCAGGT[C>T]GGACAGCACCAGCCGTGGCACCGGCCCAGGGCTCCCTGAGGGTGGGGAGGGTCGGTGCTT-3'
Protein context (NP_001265045.1, residues 612-632): PGPVPRLVLS[Asp622Asn]LHLLTQSQVR